The following is an entry in ClinVar:

ClinVar aggregate classification (germline): Uncertain significance (1 of 4 stars; one submission).

Conditions:
Meckel-Gruber syndrome. Also called: DYSENCEPHALIA SPLANCHNOCYSTICA; GRUBER SYNDROME; Dysencephalia splachnocystica. Identifiers: Orphanet 564, MedGen C0265215, MONDO:0018921.
Joubert syndrome. Also called: CEREBELLOPARENCHYMAL DISORDER IV; JOUBERT-BOLTSHAUSER SYNDROME; Familial aplasia of the vermis. Identifiers: Orphanet 475, MedGen C5979921, MONDO:0018772.

Allele frequency attached by ClinVar (database versions not stated): ExAC 0.00001; gnomAD exomes 0.00001 and 0.00003; gnomAD 0.00003 and 0.00004; TOPMed 0.00003; ESP Exome Variant Server 0.00008.
gnomAD v4.1: 47 of 1,613,264 alleles (0.0029%); highest among the groups gnomAD compares: Non-Finnish European, 0.0039%; no homozygotes.

Submission:

Labcorp Genetics (formerly Invitae), Labcorp
Classification: Uncertain significance for Joubert syndrome; Meckel-Gruber syndrome. Last evaluated: 2021-10-29. Review status: criteria provided, single submitter. Criteria: Invitae Variant Classification Sherloc (09022015). Collection method: clinical testing. Allele origin: germline.
Comment: This variant is present in population databases (rs146272049, gnomAD 0.003%). This sequence change replaces glutamic acid, which is acidic and polar, with lysine, which is basic and polar, at codon 157 of the B9D1 protein (p.Glu157Lys). This variant has not been reported in the literature in individuals affected with B9D1-related conditions. In summary, the available evidence is currently insufficient to determine the role of this variant in disease. Therefore, it has been classified as a Variant of Uncertain Significance. Algorithms developed to predict the effect of missense changes on protein structure and function are either unavailable or do not agree on the potential impact of this missense change (SIFT: "Tolerated"; PolyPhen-2: "Possibly Damaging"; Align-GVGD: "Class C0").

NM_015681.6(B9D1):c.469G>A (p.Glu157Lys)

Gene: B9D1 (B9 domain containing 1; minus strand). Cytogenetic location: 17p11.2.
Variant type: single nucleotide variant.
Coding change: c.469G>A on transcript NM_015681.6 (MANE Select); coding-DNA position 469, G replaced by A.
Protein change: p.Glu157Lys; replaces glutamic acid 157 with lysine.
Molecular consequence: missense variant. On other transcripts: intron variant (1).
Genome position (GRCh38, 1-based): chr17:19,343,793, C>T on the plus strand (G>A on the coding strand, the complement: B9D1 is on the minus strand). VCF-style: chr17-19343793-C-T. GRCh37 (hg19) VCF-style: chr17-19247106-C-T.
Other names: c.469G>A, p.Glu157Lys (NM_001321214.2, NM_001321215.3, NM_001321217.2 and 2 more transcripts); c.109G>A, p.Glu37Lys (NM_001368769.2); c.404+3476G>A (NM_001321219.2); short protein forms E157K, E37K.
Identifiers: ClinVar variation 1484031 (VCV001484031.4), dbSNP rs146272049, ClinGen allele CA8440151.